The following is an entry in ClinVar:

ClinVar aggregate classification (germline): Uncertain significance. Review status: criteria provided, multiple submitters, no conflicts (2 of 4 stars). 2 submissions from 2 submitters: Uncertain significance (2). Last evaluated 2025-10-06.

Conditions:
Epilepsy, familial adult myoclonic, 5 (EPEO5). Also called: CORTICAL MYOCLONIC TREMOR WITH EPILEPSY, FAMILIAL, 5. Identifiers: Orphanet 86814, MedGen C3809374, MONDO:0014167, OMIM 615400.

Allele frequency attached by ClinVar (database versions not stated): TOPMed 0.00004; gnomAD exomes 0.00008; gnomAD 0.00006; 1000 Genomes Project 0.00020; ExAC 0.00007; ESP Exome Variant Server 0.00008; 1000 Genomes Project 30x 0.00031.
gnomAD v4.1: 61 of 1,614,008 alleles (0.0038%); highest among the groups gnomAD compares: Admixed American, 0.005%; no homozygotes.

Submissions (2):

Ambry Genetics
Classification: Uncertain significance. Last evaluated: 2025-10-06. Review status: criteria provided, single submitter. Criteria: Ambry Variant Classification Scheme 2023. Collection method: clinical testing. Allele origin: germline.

Labcorp Genetics (formerly Invitae), Labcorp
Classification: Uncertain significance for Epilepsy, familial adult myoclonic, 5. Last evaluated: 2023-08-24. Review status: criteria provided, single submitter. Criteria: Invitae Variant Classification Sherloc (09022015). Collection method: clinical testing. Allele origin: germline.
Comment: This sequence change replaces arginine, which is basic and polar, with histidine, which is basic and polar, at codon 580 of the CNTN2 protein (p.Arg580His). In summary, the available evidence is currently insufficient to determine the role of this variant in disease. Therefore, it has been classified as a Variant of Uncertain Significance. Advanced modeling of protein sequence and biophysical properties (such as structural, functional, and spatial information, amino acid conservation, physicochemical variation, residue mobility, and thermodynamic stability) performed at Invitae indicates that this missense variant is not expected to disrupt CNTN2 protein function. ClinVar contains an entry for this variant (Variation ID: 854708). This variant has not been reported in the literature in individuals affected with CNTN2-related conditions. This variant is present in population databases (rs200242849, gnomAD 0.04%).

NM_005076.5(CNTN2):c.1739G>A (p.Arg580His)

Gene: CNTN2 (contactin 2; plus strand). Cytogenetic location: 1q32.1.
Variant type: single nucleotide variant.
Coding change: c.1739G>A on transcript NM_005076.5 (MANE Select); coding-DNA position 1739, G replaced by A.
Protein change: p.Arg580His; replaces arginine 580 with histidine.
Molecular consequence: missense variant. On other transcripts: non-coding transcript variant (1).
Genome position (GRCh38, 1-based): chr1:205,065,832, G>A. VCF-style: chr1-205065832-G-A. GRCh37 (hg19) VCF-style: chr1-205034960-G-A.
Other names: c.1739G>A, p.Arg580His (NM_001346083.2); short protein forms R580H.
Identifiers: ClinVar variation 854708 (VCV000854708.7), dbSNP rs200242849, ClinGen allele CA1351482.
Genomic context (GRCh38, chr1:205,065,832, plus strand): 5'-ACTGTCCCCGTGTGCAGAAGGAGACCATTGGGGATCTGACCATCCTGAACGCCCAGCTGC[G>A]CCATGGGGGGAAGTACACGTGCATGGCCCAGACGGTGGTGGACAGCGCGTCCAAGGAGGC-3'
Protein context (NP_005067.1, residues 570-590): GDLTILNAQL[Arg580His]HGGKYTCMAQ